The following is an entry in ClinVar:

ClinVar aggregate classification (germline): Pathogenic. Review status: criteria provided, multiple submitters, no conflicts (2 of 4 stars). 4 submissions from 4 submitters: Pathogenic (2). 2 of the submissions do not count toward it. Last evaluated 2026-02-20.

Conditions:
Wiedemann-Steiner syndrome (WDSTS). Also called: Growth deficiency and mental retardation with facial dysmorphism. Identifiers: Orphanet 319182, MedGen C1854630, MONDO:0011518, OMIM 605130.

Submissions (4):

GeneDx
Classification: Pathogenic. Last evaluated: 2026-02-20. Review status: criteria provided, single submitter. Criteria: GeneDx Variant Classification Process June 2021. Collection method: clinical testing. Allele origin: germline.
Comment: Nonsense variant predicted to result in protein truncation or nonsense mediated decay in a gene for which loss of function is a known mechanism of disease; Not observed in large population cohorts (gnomAD); This variant is associated with the following publications: (PMID: 25929198, 22795537)

MGZ Medical Genetics Center
Classification: Pathogenic for Wiedemann-Steiner syndrome. Last evaluated: 2022-05-31. Review status: criteria provided, single submitter. Criteria: ACMG Guidelines, 2015. Collection method: clinical testing. Allele origin: germline. Affected: yes. Observed: 1 variant allele.
Comment: ACMG criteria applied: PVS1, PM6, PS4_SUP, PM2_SUP

Clinical Genomics Laboratory, Stanford Medicine
Classification: Pathogenic for Wiedemann-Steiner syndrome. Last evaluated: 2021-03-16. Review status: no assertion criteria provided. Collection method: clinical testing. Allele origin: germline. Inheritance: Autosomal dominant inheritance. Affected: yes. Observed: 1 heterozygote. Not counted in ClinVar's aggregate classification.
Comment: The p.Arg2382* variant in the KMT2A gene has been previously reported de novo in 1 individual with Wiedemann-Steiner syndrome (Jones et al., 2012). This variant was absent from large population databases, including the Genome Aggregation Database. The p.Arg2382* variant leads to a premature stop codon in exon 27 of 36 coding exons, and is therefore predicted to undergo nonsense-mediated decay resulting in a truncated or absent protein. Heterozygous loss of function is an established mechanism of disease for the KMT2A gene. These data were assessed using the ACMG/AMP variant interpretation guidelines. In summary, there is sufficient evidence to classify the p.Arg2382* variant as pathogenic for autosomal dominant Wiedemann-Steiner syndrome based on the information above. [ACMG evidence codes used: PVS1; PS2; PM2]

OMIM
Classification: Pathogenic for WIEDEMANN-STEINER SYNDROME. Last evaluated: 2012-08-10. Review status: no assertion criteria provided. Collection method: literature only. Allele origin: germline. Not counted in ClinVar's aggregate classification.

Literature cited by the submitters: PubMed 22795537 (cited by OMIM).

NM_001197104.2(KMT2A):c.7144C>T (p.Arg2382Ter)

Gene: KMT2A (lysine methyltransferase 2A; plus strand). Cytogenetic location: 11q23.3.
Variant type: single nucleotide variant.
Coding change: c.7144C>T on transcript NM_001197104.2 (MANE Select); coding-DNA position 7144, C replaced by T.
Protein change: p.Arg2382Ter; replaces arginine 2382 with a stop codon.
Molecular consequence: nonsense.
Genome position (GRCh38, 1-based): chr11:118,503,036, C>T. VCF-style: chr11-118503036-C-T. GRCh37 (hg19) VCF-style: chr11-118373751-C-T.
Other names: p.Arg2382*; c.7144C>T (NM_001197104.1); c.7135C>T, p.Arg2379Ter (NM_005933.4); short protein forms R2382*, R2379*.
Identifiers: ClinVar variation 37074 (VCV000037074.5), dbSNP rs387907275, ClinGen allele CA130070.
Genomic context (GRCh38, chr11:118,503,036, plus strand): 5'-TTTTCTTCTAAAGAGGCCCTCTCCTTCCCACACCTCCATTTGAGAGGGCAAAGGAATGAT[C>T]GAGACCAACACACAGATTCTACCCAATCAGCAAACTCCTCTCCAGATGAAGATACTGAAG-3'